The following is an entry in ClinVar:

NM_022970.4(FGFR2):c.942C>T (p.His314=)

Gene: FGFR2 (fibroblast growth factor receptor 2; minus strand). Cytogenetic location: 10q26.13.
Variant type: single nucleotide variant.
Coding change: c.942C>T on transcript NM_022970.4 (MANE Plus Clinical); coding-DNA position 942, C replaced by T.
Protein change: p.His314=; no amino-acid change (histidine 314 retained).
Molecular consequence: synonymous variant. On other transcripts: non-coding transcript variant (1), intron variant (12).
Genome position (GRCh38, 1-based): chr10:121,518,827, G>A on the plus strand (C>T on the coding strand, the complement: FGFR2 is on the minus strand). VCF-style: chr10-121518827-G-A. GRCh37 (hg19) VCF-style: chr10-123278341-G-A.
Other names: c.942C>T, p.His314= (NM_001144913.1, NM_001441087.1); c.675C>T, p.His225= (NM_001144919.2, NM_001441088.1); c.749-3508C>T (NM_001144914.1); c.594+1152C>T (NM_001144918.2, NM_001441091.1, NM_001441090.1 and 1 more transcripts); c.672+1152C>T (NM_001441089.1, NM_023029.3, NM_001144915.2); c.939+1152C>T (NM_001144917.2, NM_001320658.2, NM_000141.5); c.255+1152C>T (NM_001320654.2).
Identifiers: ClinVar variation 3030519 (VCV003030519.2), dbSNP rs1051324390, ClinGen allele CA214311820.

ClinVar aggregate classification (germline): Likely benign (0 of 4 stars; one submission).

Conditions:
FGFR2-related disorder. Identifiers: MedGen CN380096.

gnomAD v4.1: 13 of 1,613,914 alleles (0.00081%); highest among the groups gnomAD compares: Admixed American, 0.0017%; no homozygotes.

Submission:

PreventionGenetics, part of Exact Sciences
Classification: Likely benign for FGFR2-related condition. Last evaluated: 2021-03-26. Review status: no assertion criteria provided. Collection method: clinical testing. Allele origin: germline.
Comment: This variant is classified as likely benign based on ACMG/AMP sequence variant interpretation guidelines (Richards et al. 2015 PMID: 25741868, with internal and published modifications).